The following is an entry in ClinVar:

ClinVar aggregate classification (germline): Uncertain significance. Review status: criteria provided, multiple submitters, no conflicts (2 of 4 stars). 4 submissions from 4 submitters: Uncertain significance (4). Last evaluated 2025-12-09.

Conditions:
Inborn genetic diseases. Identifiers: MedGen C0950123, MeSH D030342.
ARL6-related disorder. Also called: ARL6-related condition.
Retinitis pigmentosa 55 (RP55). Identifiers: Orphanet 791, MedGen C3150808, MONDO:0013312, OMIM 613575.
Bardet-Biedl syndrome 3 (BBS3). Identifiers: Orphanet 110, MedGen C1859564, MONDO:0010832, OMIM 600151.

Allele frequency attached by ClinVar (database versions not stated): gnomAD 0.00001.
gnomAD v4.1: 1 of 1,612,954 alleles (0.000062%); highest among the groups gnomAD compares: Admixed American, 0.0017%; no homozygotes.

Submissions (4):

PreventionGenetics, part of Exact Sciences
Classification: Uncertain significance for ARL6-related condition. Last evaluated: 2025-12-09. Review status: criteria provided, single submitter. Criteria: ACMG Guidelines, 2015. Collection method: clinical testing. Allele origin: germline.
Comment: The ARL6 c.317A>G variant is predicted to result in the amino acid substitution p.Lys106Arg. To our knowledge, this variant has not been reported in the literature or in a large population database (gnomAD), indicating this variant is rare. At this time, the clinical significance of this variant is uncertain due to the absence of conclusive functional and genetic evidence.

Ambry Genetics
Classification: Uncertain significance for Inborn genetic diseases. Last evaluated: 2025-05-13. Review status: criteria provided, single submitter. Criteria: Ambry Variant Classification Scheme 2023. Collection method: clinical testing. Allele origin: germline.

Labcorp Genetics (formerly Invitae), Labcorp
Classification: Uncertain significance for Retinitis pigmentosa 55; Bardet-Biedl syndrome 3. Last evaluated: 2024-12-02. Review status: criteria provided, single submitter. Criteria: Invitae Variant Classification Sherloc (09022015). Collection method: clinical testing. Allele origin: germline.
Comment: This sequence change replaces lysine, which is basic and polar, with arginine, which is basic and polar, at codon 106 of the ARL6 protein (p.Lys106Arg). This variant is not present in population databases (gnomAD no frequency). This variant has not been reported in the literature in individuals affected with ARL6-related conditions. ClinVar contains an entry for this variant (Variation ID: 853015). An algorithm developed to predict the effect of missense changes on protein structure and function (PolyPhen-2) suggests that this variant is likely to be tolerated. In summary, the available evidence is currently insufficient to determine the role of this variant in disease. Therefore, it has been classified as a Variant of Uncertain Significance.

Blueprint Genetics
Classification: Uncertain significance. Last evaluated: 2022-09-12. Review status: criteria provided, single submitter. Criteria: ACMG Guidelines, 2015. Collection method: clinical testing. Allele origin: germline.

NM_001278293.3(ARL6):c.317A>G (p.Lys106Arg)

Gene: ARL6 (ARF like GTPase 6; plus strand). Cytogenetic location: 3q11.2.
Variant type: single nucleotide variant.
Coding change: c.317A>G on transcript NM_001278293.3 (MANE Select); coding-DNA position 317, A replaced by G.
Protein change: p.Lys106Arg; replaces lysine 106 with arginine.
Molecular consequence: missense variant. On other transcripts: non-coding transcript variant (7).
Genome position (GRCh38, 1-based): chr3:97,785,017, A>G. VCF-style: chr3-97785017-A-G. GRCh37 (hg19) VCF-style: chr3-97503861-A-G.
Other names: c.317A>G, p.Lys106Arg (NM_001323513.2, NM_001323514.2, NM_032146.5 and 1 more transcripts); c.317A>G (NM_177976.1); short protein forms K106R.
Identifiers: ClinVar variation 853015 (VCV000853015.8), dbSNP rs2037383699, ClinGen allele CA353587427.
Genomic context (GRCh38, chr3:97,785,017, plus strand): 5'-AAGGCCAAGCTATTATTTTTGTCATTGATAGTAGTGATAGATTAAGAATGGTTGTGGCCA[A>G]AGAAGAACTCGATACTCTTCTGAATCATCCAGGTATGTGTGTGTCTTTCAGTCTGTATCT-3'
Protein context (NP_001265222.1, residues 96-116): SSDRLRMVVA[Lys106Arg]EELDTLLNHP